The following is an entry in ClinVar:

NM_000152.5(GAA):c.2560C>T (p.Arg854Ter)

Gene: GAA (alpha glucosidase; plus strand). Cytogenetic location: 17q25.3.
Variant type: single nucleotide variant.
Coding change: c.2560C>T on transcript NM_000152.5 (MANE Select); coding-DNA position 2560, C replaced by T.
Protein change: p.Arg854Ter; replaces arginine 854 with a stop codon.
Molecular consequence: nonsense.
Genome position (GRCh38, 1-based): chr17:80,118,271, C>T. VCF-style: chr17-80118271-C-T. GRCh37 (hg19) VCF-style: chr17-78092070-C-T.
Other names: p.Arg854*; c.2560C>T, p.Arg854Ter (NM_001079804.3, NM_001079803.3); c.2560C>T (NM_000152.4); short protein forms R854*.
Identifiers: ClinVar variation 4034 (VCV000004034.70), dbSNP rs121907943, ClinGen allele CA340130.
Genomic context (GRCh38, chr17:80,118,271, plus strand): 5'-ACAGAGTCCCGCCAGCAGCCCATGGCCCTGGCTGTGGCCCTGACCAAGGGTGGGGAGGCC[C>T]GAGGGGAGCTGTTCTGGGACGATGGAGAGAGCCTGGAAGTGCTGGAGCGAGGGGCCTACA-3'

ClinVar aggregate classification (germline): Pathogenic. Review status: reviewed by expert panel (3 of 4 stars). 32 submissions from 31 submitters: Pathogenic (1). 31 of the submissions do not count toward it. Last evaluated 2020-05-05.

Conditions:
Glycogen storage disease due to acid maltase deficiency, late-onset (LOPD). Also called: GAA DEFICIENCY, LATE-ONSET; ACID MALTASE DEFICIENCY, LATE-ONSET; AMD, LATE-ONSET; POMPE DISEASE, LATE-ONSET; GLYCOGEN STORAGE DISEASE II, LATE-ONSET; ACID ALPHA-GLUCOSIDASE DEFICIENCY, LATE-ONSET. Identifiers: Orphanet 420429, MedGen C0342753, MONDO:0018485, OMIM 621314.
GAA-related disorder. Also called: GAA-related condition.
GAA-related disorders.
Cardiovascular phenotype. Identifiers: MedGen CN230736.
Glycogen storage disease. Also called: glycogen storage disorder; Disorder of glycogen metabolism. Identifiers: Orphanet 79201, MedGen C0017919, MONDO:0002412.
Glycogen storage disease, type II (IOPD). Also called: CARDIOMEGALIA GLYCOGENICA DIFFUSA; Glycogen storage disease type 2; Acid maltase deficiency disease; Aglucosidase alfa; Deficiency of alpha-glucosidase; Deficiency of lysosomal alpha-glucosidase. Identifiers: Orphanet 365, MedGen C0017921, MONDO:0009290, OMIM 232300.

Allele frequency attached by ClinVar (database versions not stated): gnomAD exomes 0.00006 and 0.00017; ExAC 0.00021; TOPMed 0.00057; gnomAD 0.00059 and 0.00063; 1000 Genomes Project 0.00100; 1000 Genomes Project 30x 0.00125.
gnomAD v4.1: 178 of 1,608,420 alleles (0.011%); highest among the groups gnomAD compares: African/African-American, 0.2%; no homozygotes.

Submissions 1 to 9 of 32:

ClinGen Lysosomal Storage Disorder Variant Curation Expert Panel
Classification: Pathogenic for Glycogen storage disease, type II. Last evaluated: 2020-05-05. Review status: reviewed by expert panel. Criteria: ClinGen LSD ACMG Specifications v1. Collection method: curation. Allele origin: germline. Inheritance: Autosomal recessive inheritance.
Comment: This variant, c.2560C>T (p.Arg854Ter) is a nonsense variant that is predicted to result in a premature stop codon, nonsense mediated decay, and lack of gene product, meeting PVS1. This is supported by reports of numerous patients who are homozygous for the variant, or compound heterozygous for the variant and another loss of function variant, and who have absent GAA cross-reactive immunological material in cultured skin fibroblasts (i.e. CRIM-negative) (e.g. PMIDs 19775921, 21889385, 22237443, 22252923, 23601496, 2574186). In addition, expression of the variant in COS cells resulted in virtually no increase in activity compared to the negative control (PMID 8094613). This variant is the most commonly reported variant in individuals with infantile onset Pompe disease, especially in those of African descent (PMIDs 9529346, 22253258, 31342611). The highest population minor allele frequency is gnomAD v2.1.1 is 0.00189 in the African population. This variant been reported in numerous individuals with Pompe disease who meet the specifications of the ClinGen LSD VCEP for PP4. This includes homozygous individuals (e.g. PMIDs 17723315, 21889385, 23601496, 25741864, 26497565) and compound heterozygotes with another pathogenic variant in GAA such as c.-32-13G>T (PMID 17723315), c.525delT (PMID 23825616), c.1165delG (PMID 22252923), c.1654delC (PMID 25741864), c.1933G>A (p.Asp645Asn) (PMID 31193175), c.1655T>C (p.Leu552Pro)(PMID 31193175). This data meets PM3_Very Strong. In summary, this variant meets the criteria to be classified as pathogenic for Pompe disease. ACMG/AMP criteria applied, as specified by the ClinGen LSD VCEP: PVS1, PM3_Very Strong, PP4.

Genetics Laboratory, Great Ormond Street Hospital NHS Foundation Trust, North Thames Genomic Laboratory Hub
Classification: Pathogenic for Glycogen storage disease. Last evaluated: 2026-07-27. Review status: criteria provided, single submitter. Criteria: ACGS Best Practice Guidelines for Variant Classification in Rare Disease 2024 v1.2. Collection method: clinical testing. Allele origin: germline. Affected: yes. Not counted in ClinVar's aggregate classification.
Comment: PM2_moderate, PVS1_very-strong, PM3_moderate, PP4_strong

Genomenon, Inc
Classification: Pathogenic for Glycogen storage disease, type II. Last evaluated: 2026-07-01. Review status: criteria provided, single submitter. Criteria: Genomenon Sequence Variant Interpretation Standards - Updated. Collection method: curation. Allele origin: germline. Affected: yes. Not counted in ClinVar's aggregate classification.
Comment: GAA p.Arg854Ter (c.2560C>T) is a nonsense variant that introduces a premature stop codon at amino acid position 854 and is predicted to result in a truncated or absent protein product. This variant has been observed in at least one proband with a GAA-related disorder (PMID:39731073;39314994;39273088;39020349;38958145;38948331;38250073;38248631;37087815;36983365;36310651;36299500;36245745;35813979;35787971). At least one functional study has demonstrated a substantial alteration in protein function relative to the wild-type (PMID:36246652;8094613). In conclusion, we classify GAA p.Arg854Ter (c.2560C>T) as a pathogenic variant.

PreventionGenetics, part of Exact Sciences
Classification: Pathogenic for GAA-related condition. Last evaluated: 2026-04-15. Review status: criteria provided, single submitter. Criteria: ACMG Guidelines, 2015. Collection method: clinical testing. Allele origin: germline. Not counted in ClinVar's aggregate classification.
Comment: The GAA c.2560C>T variant is predicted to result in premature protein termination (p.Arg854*). This variant has been reported as causative for glycogen storage disease (Hermans et al. 1993. PubMed ID: 8094613; Abbott et al. 2011. PubMed ID: 21889385). This variant is reported in 0.19% of alleles in individuals of African descent in gnomAD. Nonsense variants in GAA are expected to be pathogenic. This variant is interpreted as pathogenic.

Labcorp Genetics (formerly Invitae), Labcorp
Classification: Pathogenic for Glycogen storage disease, type II. Last evaluated: 2026-02-03. Review status: criteria provided, single submitter. Criteria: Invitae Variant Classification Sherloc (09022015). Collection method: clinical testing. Allele origin: germline. Not counted in ClinVar's aggregate classification.
Comment: This sequence change creates a premature translational stop signal (p.Arg854*) in the GAA gene. It is expected to result in an absent or disrupted protein product. Loss-of-function variants in GAA are known to be pathogenic (PMID: 18425781, 22252923). This variant is present in population databases (rs121907943, gnomAD 0.2%). This premature translational stop signal has been observed in individual(s) with glycogen storage disease type II (PMID: 9529346, 17723315, 19588081). ClinVar contains an entry for this variant (Variation ID: 4034). For these reasons, this variant has been classified as Pathogenic.

Natera, Inc.
Classification: Pathogenic for Glycogen storage disease type II. Last evaluated: 2025-09-11. Review status: criteria provided, single submitter. Criteria: Natera Variant Classification Schema (03/2026). Collection method: clinical testing. Allele origin: germline. Not counted in ClinVar's aggregate classification.
Comment: The c.2560C>T variant in GAA is a nonsense variant predicted to introduce a stop codon at amino acid 854. This variant is expected to result in nonsense mediated decay, truncation, or a dysfunctional protein product. This variant is rare in the general population with a frequency below the threshold expected for the associated phenotype(s). This variant has been observed in one or more individuals affected with the associated recessive disease, as either homozygous or compound heterozygous with a second variant (PMID: 19588081). Given the available evidence, this variant is classified as Pathogenic.

Revvity Omics, Revvity
Classification: Pathogenic. Last evaluated: 2025-07-31. Review status: criteria provided, single submitter. Criteria: ACMG Guidelines, 2015. Collection method: clinical testing. Allele origin: germline. Not counted in ClinVar's aggregate classification.

Clinical Omics and Informatics (COIN) Unit, Neuroscience Institute, University Of Cape Town
Classification: Pathogenic for Glycogen storage disease, type II. Last evaluated: 2025-02-10. Review status: criteria provided, single submitter. Criteria: ACMG Guidelines, 2015. Collection method: research. Allele origin: germline. Inheritance: Autosomal recessive inheritance. Affected: yes. Observed: 1 variant allele, 1 compound heterozygote. Not counted in ClinVar's aggregate classification.
Comment: This variant, c.2560C>T (p.Arg854Ter) is a nonsense variant that is predicted to result in a premature stop codon, nonsense mediated decay, and lack of gene product, meeting PVS1. This is supported by reports of numerous patients who are homozygous for the variant, or compound heterozygous for the variant and another loss of function variant, and who have absent GAA cross-reactive immunological material in cultured skin fibroblasts (i.e. CRIM-negative) (e.g. PMIDs 19775921, 21889385, 22237443, 22252923, 23601496, 2574186). In addition, expression of the variant in COS cells resulted in virtually no increase in activity compared to the negative control (PMID 8094613). This variant is the most commonly reported variant in individuals with infantile onset Pompe disease, especially in those of African descent (PMIDs 9529346, 22253258, 31342611). The highest population minor allele frequency is gnomAD v2.1.1 is 0.00189 in the African population. This variant been reported in numerous individuals with Pompe disease who meet the specifications of the ClinGen LSD VCEP for PP4. This includes homozygous individuals (e.g. PMIDs 17723315, 21889385, 23601496, 25741864, 26497565) and compound heterozygotes with another pathogenic variant in GAA such as c.-32-13G>T (PMID 17723315), c.525delT (PMID 23825616), c.1165delG (PMID 22252923), c.1654delC (PMID 25741864), c.1933G>A (p.Asp645Asn) (PMID 31193175), c.1655T>C (p.Leu552Pro)(PMID 31193175). This data meets PM3_Very Strong. In summary, this variant meets the criteria to be classified as pathogenic for Pompe disease. ACMG/AMP criteria applied, as specified by the ClinGen LSD VCEP: PVS1, PM3_Very Strong, PP4. Sequencing funded by the International Centre for Genomic Medicine in Neuromuscular Diseases (ICGNMD).

Blueprint Genetics
Classification: Pathogenic for GAA-related disorders. Last evaluated: 2024-08-23. Review status: criteria provided, single submitter. Criteria: ACMG Guidelines, 2015. Collection method: clinical testing. Allele origin: germline. Affected: yes. Observed: 5 variant alleles. Not counted in ClinVar's aggregate classification.